The following is an entry in ClinVar:

NM_001374828.1(ARID1B):c.4117A>C (p.Lys1373Gln)

Gene: ARID1B (AT-rich interaction domain 1B; plus strand). Cytogenetic location: 6q25.3.
Variant type: single nucleotide variant.
Coding change: c.4117A>C on transcript NM_001374828.1 (MANE Select); coding-DNA position 4117, A replaced by C.
Protein change: p.Lys1373Gln; replaces lysine 1373 with glutamine.
Molecular consequence: missense variant.
Genome position (GRCh38, 1-based): chr6:157,190,096, A>C. VCF-style: chr6-157190096-A-C. GRCh37 (hg19) VCF-style: chr6-157511230-A-C.
Other names: c.1618A>C, p.Lys540Gln (NM_001363725.2); c.3997A>C, p.Lys1333Gln (NM_001371656.1, NM_001374820.1); c.3958A>C, p.Lys1320Gln (NM_017519.3); c.3748A>C, p.Lys1250Gln (NM_020732.3); short protein forms K1250Q, K540Q, K1320Q, K1333Q, K1373Q.
Identifiers: ClinVar variation 386900 (VCV000386900.2), dbSNP rs1057522635, ClinGen allele CA16605005.

ClinVar aggregate classification (germline): Uncertain significance (1 of 4 stars; one submission).

Submission:

GeneDx
Classification: Uncertain significance. Last evaluated: 2016-06-07. Review status: criteria provided, single submitter. Criteria: GeneDx Variant Classification (06012015). Collection method: clinical testing. Allele origin: germline. Affected: yes.
Comment: The K1250Q in the ARID1B gene has not been reported previously as a pathogenic variant, nor as a benign variant, to our knowledge. The K1250Q variant was not observed in approximately 6500 individuals of European and African American ancestry in the NHLBI Exome Sequencing Project, indicating it is not a common benign variant in these populations. The K1250Q variant is a semi-conservative amino acid substitution, which may impact secondary protein structure as these residues differ in some properties. This substitution occurs at a position where amino acids with similar properties to Lysine are tolerated across species. In silico analysis predicts this variant is probably damaging to the protein structure/function. We interpret K1250Q as a variant of uncertain significance.